The following is an entry in ClinVar:

ClinVar aggregate classification (germline): Uncertain significance (1 of 4 stars; one submission).

Submission:

GeneDx
Classification: Uncertain significance. Last evaluated: 2023-10-05. Review status: criteria provided, single submitter. Criteria: GeneDx Variant Classification Process June 2021. Collection method: clinical testing. Allele origin: germline. Affected: yes.
Comment: Not observed at significant frequency in large population cohorts (gnomAD); In silico analysis supports that this missense variant has a deleterious effect on protein structure/function; Has not been previously published as pathogenic or benign to our knowledge; Variants in candidate genes are classified as variants of uncertain significance in accordance with ACMG guidelines (Richards et al., 2015)

NM_002070.4(GNAI2):c.819C>A (p.Asp273Glu)

Gene: GNAI2 (G protein subunit alpha i2; plus strand). Cytogenetic location: 3p21.31.
Variant type: single nucleotide variant.
Coding change: c.819C>A on transcript NM_002070.4 (MANE Select); coding-DNA position 819, C replaced by A.
Protein change: p.Asp273Glu; replaces aspartic acid 273 with glutamic acid.
Molecular consequence: missense variant.
Genome position (GRCh38, 1-based): chr3:50,257,032, C>A. VCF-style: chr3-50257032-C-A. GRCh37 (hg19) VCF-style: chr3-50294464-C-A.
Other names: c.708C>A, p.Asp236Glu (NM_001166425.2); c.663C>A, p.Asp221Glu (NM_001282617.2); c.576C>A, p.Asp192Glu (NM_001282618.2); c.771C>A, p.Asp257Glu (NM_001282619.2, NM_001282620.2); short protein forms D192E, D221E, D236E, D257E, D273E.
Identifiers: ClinVar variation 3365901 (VCV003365901.1).